The following is an entry in ClinVar:

NM_015072.5(TTLL5):c.184C>T (p.Arg62Cys)

Gene: TTLL5 (tubulin tyrosine ligase like 5; plus strand). Cytogenetic location: 14q24.3.
Variant type: single nucleotide variant.
Coding change: c.184C>T on transcript NM_015072.5 (MANE Select); coding-DNA position 184, C replaced by T.
Protein change: p.Arg62Cys; replaces arginine 62 with cysteine.
Molecular consequence: missense variant.
Genome position (GRCh38, 1-based): chr14:75,681,547, C>T. VCF-style: chr14-75681547-C-T. GRCh37 (hg19) VCF-style: chr14-76147890-C-T.
Other names: c.184C>T (NM_015072.4); short protein forms R62C.
Identifiers: ClinVar variation 1363887 (VCV001363887.9), dbSNP rs948170380, ClinGen allele CA263670886.
Genomic context (GRCh38, chr14:75,681,547, plus strand): 5'-TATTTTTGTTTTTACAGTTAACTTTCTAGTTACTGAACTTGATTCTGTTTTTCTTTAGAA[C>T]GTTATCATTTGTCTTATAAGATTGTACGAACGGACAGTCGCCTAGTACGCAGCATTCTGA-3'
Protein context (NP_055887.3, residues 52-72): KDNNIRVIGE[Arg62Cys]YHLSYKIVRT

ClinVar aggregate classification (germline): Uncertain significance. Review status: criteria provided, multiple submitters, no conflicts (2 of 4 stars). 4 submissions from 4 submitters: Uncertain significance (4). Last evaluated 2025-07-08.

Conditions:
TTLL5-related disorder. Also called: TTLL5-related condition.

Allele frequency attached by ClinVar (database versions not stated): gnomAD exomes below 0.00001 and 0.00001; gnomAD 0.00001 and 0.00002; TOPMed 0.00002.
gnomAD v4.1: 22 of 1,612,196 alleles (0.0014%); highest among the groups gnomAD compares: Middle Eastern, 0.13%; no homozygotes.

Submissions (4):

PreventionGenetics, part of Exact Sciences
Classification: Uncertain significance for TTLL5-related condition. Last evaluated: 2025-07-08. Review status: criteria provided, single submitter. Criteria: ACMG Guidelines, 2015. Collection method: clinical testing. Allele origin: germline.
Comment: The TTLL5 c.184C>T variant is predicted to result in the amino acid substitution p.Arg62Cys. To our knowledge, this variant has not been reported in the literature. This variant is reported in 0.00088% of alleles in individuals of European (Non-Finnish) descent in gnomAD. At this time, the clinical significance of this variant is uncertain due to the absence of conclusive functional and genetic evidence.

Blueprint Genetics
Classification: Uncertain significance. Last evaluated: 2023-04-20. Review status: criteria provided, single submitter. Criteria: ACMG Guidelines, 2015. Collection method: clinical testing. Allele origin: germline.

Labcorp Genetics (formerly Invitae), Labcorp
Classification: Uncertain significance. Last evaluated: 2022-05-22. Review status: criteria provided, single submitter. Criteria: Invitae Variant Classification Sherloc (09022015). Collection method: clinical testing. Allele origin: germline.
Comment: Algorithms developed to predict the effect of missense changes on protein structure and function are either unavailable or do not agree on the potential impact of this missense change (SIFT: "Deleterious"; PolyPhen-2: "Benign"; Align-GVGD: "Class C0"). In summary, the available evidence is currently insufficient to determine the role of this variant in disease. Therefore, it has been classified as a Variant of Uncertain Significance. This variant has not been reported in the literature in individuals affected with TTLL5-related conditions. This variant is present in population databases (no rsID available, gnomAD 0.0009%). This sequence change replaces arginine, which is basic and polar, with cysteine, which is neutral and slightly polar, at codon 62 of the TTLL5 protein (p.Arg62Cys).

Breakthrough Genomics
Classification: Uncertain significance. Review status: criteria provided, single submitter. Criteria: ACMG Guidelines, 2015. Collection method: not provided. Allele origin: germline. Inheritance: Autosomal recessive inheritance. Affected: yes.